The following is an entry in ClinVar:

NM_001122955.4(BSCL2):c.1201G>A (p.Gly401Arg)

Genes: BSCL2 (BSCL2 lipid droplet biogenesis associated, seipin; minus strand), HNRNPUL2-BSCL2 (HNRNPUL2-BSCL2 readthrough (NMD candidate); minus strand). Cytogenetic location: 11q12.3.
Variant type: single nucleotide variant.
Coding change: c.1201G>A on transcript NM_001122955.4 (MANE Select); coding-DNA position 1201, G replaced by A.
Protein change: p.Gly401Arg; replaces glycine 401 with arginine.
Molecular consequence: missense variant. On other transcripts: non-coding transcript variant (1), 3 prime UTR variant (1).
Genome position (GRCh38, 1-based): chr11:62,690,645, C>T on the plus strand (G>A on the coding strand, the complement: BSCL2 is on the minus strand). VCF-style: chr11-62690645-C-T. GRCh37 (hg19) VCF-style: chr11-62458117-C-T.
Other names: c.*3G>A (NM_001130702.2); c.1207G>A, p.Gly403Arg (NM_001386027.1); c.1201G>A, p.Gly401Arg (NM_001386028.1); c.1009G>A, p.Gly337Arg (NM_032667.6); c.1201G>A (NM_001122955.3); short protein forms G337R, G401R, G403R.
Identifiers: ClinVar variation 245798 (VCV000245798.18), dbSNP rs138964424, ClinGen allele CA6053294.

ClinVar aggregate classification (germline): Uncertain significance. Review status: criteria provided, multiple submitters, no conflicts (2 of 4 stars). 7 submissions from 6 submitters: Uncertain significance (7). Last evaluated 2026-09-08.

Conditions:
BSCL2-related disorder. Also called: BSCL2-related condition; BSCL2-Related Disorders.
Severe neurodegenerative syndrome with lipodystrophy. Also called: ENCEPHALOPATHY, PROGRESSIVE, WITH LIPODYSTROPHY; Encephalopathy, progressive, with or without lipodystrophy. Identifiers: Orphanet 363400, MedGen C4014700, MONDO:0014402, OMIM 615924.
Congenital generalized lipodystrophy type 2 (CGL2). Also called: BERARDINELLI SYNDROME; BRUNZELL SYNDROME, BSCL2-RELATED; SEIP SYNDROME; Berardinelli-Seip Congenital Lipodystrophy Type 2. Identifiers: Orphanet 528, Orphanet 696289, MedGen C1720863, MONDO:0010020, OMIM 269700.
Neuronopathy, distal hereditary motor, type 5C. Also called: NEURONOPATHY, DISTAL HEREDITARY MOTOR, HARDING TYPE VC; NEUROPATHY, DISTAL HEREDITARY MOTOR, HARDING TYPE VC; SPINAL MUSCULAR ATROPHY, DISTAL, HARDING TYPE VC; DHMN VC; NEURONOPATHY, DISTAL HEREDITARY MOTOR, AUTOSOMAL DOMINANT 13. Identifiers: MedGen C5436838, MONDO:0030860, OMIM 619112.
Hereditary spastic paraplegia 17. Also called: Silver spastic paraplegia syndrome; SPASTIC PARAPLEGIA WITH AMYOTROPHY OF HANDS AND FEET; Spastic Paraplegia 17; Autosomal dominant spastic paraplegia type 17; Silver Syndrome. Identifiers: Orphanet 100998, MedGen C2931276, MONDO:0010043, OMIM 270685.
Inborn genetic diseases. Identifiers: MedGen C0950123, MeSH D030342.
Charcot-Marie-Tooth disease type 2. Also called: Charcot-Marie-Tooth type 2. Identifiers: Orphanet 64746, MedGen C0270914, MONDO:0018993.
Neuronopathy, distal hereditary motor, type 5A (HMND5). Also called: NEURONOPATHY, DISTAL HEREDITARY MOTOR, AUTOSOMAL DOMINANT 5; Distal Spinal Muscular Atrophy V; Distal Spinal Muscular Atrophy V (dSMA-V); DHMN VA. Identifiers: Orphanet 139536, MedGen CN031873, MONDO:0015353, OMIM 600794.

Allele frequency attached by ClinVar (database versions not stated): ExAC 0.00003; gnomAD exomes 0.00004 and 0.00013; gnomAD 0.00005; TOPMed 0.00007; ESP Exome Variant Server 0.00008.
gnomAD v4.1: 193 of 1,613,834 alleles (0.012%); highest among the groups gnomAD compares: Non-Finnish European, 0.016%; no homozygotes.

Submissions (7):

PreventionGenetics, part of Exact Sciences
Classification: Uncertain significance for BSCL2-related condition. Last evaluated: 2026-09-08. Review status: criteria provided, single submitter. Criteria: ACMG Guidelines, 2015. Collection method: clinical testing. Allele origin: germline.
Comment: The BSCL2 c.1201G>A variant is predicted to result in the amino acid substitution p.Gly401Arg. To our knowledge, this variant has not been reported in the literature. This variant is reported in 0.0087% of alleles in individuals of European (Non-Finnish) descent in gnomAD. At this time, the clinical significance of this variant is uncertain due to the absence of conclusive functional and genetic evidence.

Labcorp Genetics (formerly Invitae), Labcorp
Classification: Uncertain significance for Charcot-Marie-Tooth disease type 2. Last evaluated: 2025-05-18. Review status: criteria provided, single submitter. Criteria: Invitae Variant Classification Sherloc (09022015). Collection method: clinical testing. Allele origin: germline.
Comment: This sequence change replaces glycine, which is neutral and non-polar, with arginine, which is basic and polar, at codon 337 of the BSCL2 protein (p.Gly337Arg). This variant is present in population databases (rs138964424, gnomAD 0.008%). This variant has not been reported in the literature in individuals affected with BSCL2-related conditions. ClinVar contains an entry for this variant (Variation ID: 245798). An algorithm developed to predict the effect of missense changes on protein structure and function outputs the following: PolyPhen-2: "Benign". The arginine amino acid residue is found in multiple mammalian species, which suggests that this missense change does not adversely affect protein function. In summary, the available evidence is currently insufficient to determine the role of this variant in disease. Therefore, it has been classified as a Variant of Uncertain Significance.

Fulgent Genetics
Classification: Uncertain significance for Congenital generalized lipodystrophy type 2; Hereditary spastic paraplegia 17; Severe neurodegenerative syndrome with lipodystrophy; Neuronopathy, distal hereditary motor, type 5C. Last evaluated: 2024-06-10. Review status: criteria provided, single submitter. Criteria: ACMG Guidelines, 2015. Collection method: clinical testing. Allele origin: germline.

Ambry Genetics
Classification: Uncertain significance for Inborn genetic diseases. Last evaluated: 2021-01-13. Review status: criteria provided, single submitter. Criteria: Ambry Variant Classification Scheme 2023. Collection method: clinical testing. Allele origin: germline.
Comment: The p.G337R variant (also known as c.1009G>A), located in coding exon 9 of the BSCL2 gene, results from a G to A substitution at nucleotide position 1009. The glycine at codon 337 is replaced by arginine, an amino acid with dissimilar properties. This amino acid position is highly conserved in available vertebrate species. In addition, the in silico prediction for this alteration is inconclusive. Based on the supporting evidence, this variant is unlikely to be causative of autosomal dominant BSCL2-related neurologic disorders; however, its contribution to the development of autosomal recessive BSCL2-related syndrome is uncertain.

GeneDx
Classification: Uncertain significance. Last evaluated: 2018-08-21. Review status: criteria provided, single submitter. Criteria: GeneDx Variant Classification (06012015). Collection method: clinical testing. Allele origin: germline. Affected: yes.
Comment: The G337R variant has not been published as a pathogenic, nor has it been reported as a benign polymorphism to our knowledge. It was not observed with any significant frequency in approximately 6,500 individuals of European and African American ancestry in the NHLBI Exome Sequencing Project. The G337R variant is a non-conservative amino acid substitution, which is likely to impact secondary protein structure as these residues differ in polarity, charge, size and/or other properties. This substitution occurs at a position that is conserved in mammals. However, in silico analysis predicts the G337R variant likely does not alter the protein structure/function. Based on the currently available information, it is unclear whether this variant is a pathogenic or a rare benign variant

Illumina Laboratory Services, Illumina
Classification: Uncertain significance for Congenital generalized lipodystrophy type 2. Last evaluated: 2018-01-12. Review status: criteria provided, single submitter. Criteria: ICSL Variant Classification Criteria 13 December 2019. Collection method: clinical testing. Allele origin: germline.

Illumina Laboratory Services, Illumina
Classification: Uncertain significance for Neuronopathy, distal hereditary motor, type 5A. Last evaluated: 2018-01-12. Review status: criteria provided, single submitter. Criteria: ICSL Variant Classification Criteria 13 December 2019. Collection method: clinical testing. Allele origin: germline.